The following is an entry in ClinVar:

NM_020911.2(PLXNA4):c.2670C>T (p.Ile890=)

Gene: PLXNA4 (plexin A4; minus strand). Cytogenetic location: 7q32.3.
Variant type: single nucleotide variant.
Coding change: c.2670C>T on transcript NM_020911.2 (MANE Select); coding-DNA position 2670, C replaced by T.
Protein change: p.Ile890=; no amino-acid change (isoleucine 890 retained).
Molecular consequence: synonymous variant.
Genome position (GRCh38, 1-based): chr7:132,198,553, G>A on the plus strand (C>T on the coding strand, the complement: PLXNA4 is on the minus strand). VCF-style: chr7-132198553-G-A. GRCh37 (hg19) VCF-style: chr7-131883312-G-A.
Other names: c.2670C>T, p.Ile890= (NM_001393897.1).
Identifiers: ClinVar variation 3054022 (VCV003054022.2), dbSNP rs375620819, ClinGen allele CA4489739.
Genomic context (GRCh38, chr7:132,198,553, plus strand): 5'-AGGGATGTAACCATCCACTAAAGGGCTGCACTCCACGCCAGCAACCTTGACATGGGAGGC[G>A]ATGTCGCGAAATTCCAGGCCCAGGTTCTCCCCTCGGATAGTGACCTTGGTGCCCCCTTCC-3'
Protein context (NP_065962.1, residues 880-900): GENLGLEFRD[Ile890=]ASHVKVAGVE

ClinVar aggregate classification (germline): Likely benign (0 of 4 stars; one submission).

Conditions:
PLXNA4-related disorder. Also called: PLXNA4-related condition.

Allele frequency attached by ClinVar (database versions not stated): gnomAD exomes 0.00005; gnomAD 0.00009; TOPMed 0.00011; 1000 Genomes Project 30x 0.00016; ESP Exome Variant Server 0.00016; ExAC 0.00021.
gnomAD v4.1: 94 of 1,614,220 alleles (0.0058%); highest among the groups gnomAD compares: Middle Eastern, 0.082%; no homozygotes.

Submission:

PreventionGenetics, part of Exact Sciences
Classification: Likely benign for PLXNA4-related condition. Last evaluated: 2021-07-20. Review status: no assertion criteria provided. Collection method: clinical testing. Allele origin: germline.
Comment: This variant is classified as likely benign based on ACMG/AMP sequence variant interpretation guidelines (Richards et al. 2015 PMID: 25741868, with internal and published modifications).